The following is an entry in ClinVar:

NM_006892.4(DNMT3B):c.1906-5T>C

Gene: DNMT3B (DNA methyltransferase 3 beta; plus strand). Cytogenetic location: 20q11.21.
Variant type: single nucleotide variant.
Coding change: c.1906-5T>C on transcript NM_006892.4 (MANE Select); 5 bases into the intron before coding-DNA position 1906, T replaced by C.
Molecular consequence: intron variant.
Genome position (GRCh38, 1-based): chr20:32,800,830, T>C. VCF-style: chr20-32800830-T-C. GRCh37 (hg19) VCF-style: chr20-31388636-T-C.
Other names: p.?; c.1846-5T>C (NM_175848.2, NM_175849.2); c.1720-5T>C (NM_001207055.2); c.1618-5T>C (NM_001207056.2); c.1882-5T>C (NM_175850.3).
Identifiers: ClinVar variation 338180 (VCV000338180.23), dbSNP rs2424928, ClinGen allele CA9810761.
Genomic context (GRCh38, chr20:32,800,830, plus strand): 5'-GAAGTGGGTCCAGCTCTCTTTCCCTCTGTCCACACCCTCATCCTGACTCTGTCTCTCTCT[T>C]TCAGATTGAAGAATGGGGCCCATTTGACTTGGTGATTGGCGGAAGCCCATGCAACGATCT-3'

ClinVar aggregate classification (germline): Benign/Likely benign. Review status: criteria provided, multiple submitters, no conflicts (2 of 4 stars). 7 submissions from 7 submitters: Benign (6); Likely benign (1). Last evaluated 2026-02-04.

Conditions:
Immunodeficiency-centromeric instability-facial anomalies syndrome 1 (ICF1). Identifiers: Orphanet 2268, MedGen C4551557, MONDO:0009454, OMIM 242860.
Centromeric instability of chromosomes 1,9 and 16 and immunodeficiency (ICF1). Also called: IMMUNE DEFICIENCY, VARIABLE, WITH CENTROMERIC INSTABILITY OF CHROMOSOMES 1, 9, AND 16; IMMUNODEFICIENCY SYNDROME, VARIABLE; CENTROMERIC INSTABILITY, IMMUNODEFICIENCY SYNDROME; Immunodeficiency-centromeric instability-facial anomalies. Identifiers: Orphanet 2268, MedGen C0398788, MONDO:0000133.

Allele frequency attached by ClinVar (database versions not stated): gnomAD exomes 0.49148 and 0.57738; ESP Exome Variant Server 0.56213; ExAC 0.57372; gnomAD 0.58051 and 0.58581; TOPMed 0.60733; 1000 Genomes Project 30x 0.73735; 1000 Genomes Project 0.74261.
gnomAD v4.1: 808,424 of 1,611,274 alleles (50%); highest among the groups gnomAD compares: East Asian, 100%; 216,817 homozygotes.

Submissions (7):

Labcorp Genetics (formerly Invitae), Labcorp
Classification: Benign for Centromeric instability of chromosomes 1,9 and 16 and immunodeficiency. Last evaluated: 2026-02-04. Review status: criteria provided, single submitter. Criteria: Invitae Variant Classification Sherloc (09022015). Collection method: clinical testing. Allele origin: germline.

Blueprint Genetics
Classification: Likely benign. Last evaluated: 2024-11-28. Review status: criteria provided, single submitter. Criteria: ACMG Guidelines, 2015. Collection method: clinical testing. Allele origin: germline.

Mayo Clinic Laboratories, Mayo Clinic
Classification: Benign. Last evaluated: 2022-09-06. Review status: criteria provided, single submitter. Criteria: ACMG Guidelines, 2015. Collection method: clinical testing. Allele origin: germline. Observed: 65 variant alleles.

Genome-Nilou Lab
Classification: Benign for Immunodeficiency-centromeric instability-facial anomalies syndrome 1. Last evaluated: 2021-07-30. Review status: criteria provided, single submitter. Criteria: ACMG Guidelines, 2015. Collection method: clinical testing. Allele origin: germline. Affected: no.

Illumina Laboratory Services, Illumina
Classification: Benign for Immunodeficiency-centromeric instability-facial anomalies syndrome 1. Last evaluated: 2018-01-12. Review status: criteria provided, single submitter. Criteria: ICSL Variant Classification Criteria 13 December 2019. Collection method: clinical testing. Allele origin: germline.
Comment: This variant was observed in the ICSL laboratory as part of a predisposition screen in an ostensibly healthy population. It had not been previously curated by ICSL or reported in the Human Gene Mutation Database (HGMD: prior to June 1st, 2018), and was therefore a candidate for classification through an automated scoring system. Utilizing variant allele frequency, disease prevalence and penetrance estimates, and inheritance mode, an automated score was calculated to assess if this variant is too frequent to cause the disease. Based on the score and internal cut-off values, a variant classified as benign is not then subjected to further curation. The score for this variant resulted in a classification of benign for this disease.

Laboratory for Molecular Medicine, Mass General Brigham Personalized Medicine
Classification: Benign. Last evaluated: 2016-03-29. Review status: criteria provided, single submitter. Criteria: LMM Criteria. Collection method: clinical testing. Allele origin: germline.
Comment: Variant identified in a genome or exome case(s) and assessed due to predicted null impact of the variant or pathogenic assertions in the literature or databases. Disclaimer: This variant has not undergone full assessment. The following are preliminary notes: Frequency

Breakthrough Genomics
Classification: Benign. Review status: criteria provided, single submitter. Criteria: ACMG Guidelines, 2015. Collection method: not provided. Allele origin: germline. Inheritance: Autosomal recessive inheritance. Affected: yes.